The following is an entry in ClinVar:

ClinVar aggregate classification (germline): Uncertain significance (1 of 4 stars; one submission).

Allele frequency attached by ClinVar (database versions not stated): 1000 Genomes Project 30x 0.00016; 1000 Genomes Project 0.00020.
gnomAD v4.1: 198 of 1,614,104 alleles (0.012%); highest among the groups gnomAD compares: East Asian, 0.025%; no homozygotes.

Submission:

Labcorp Genetics (formerly Invitae), Labcorp
Classification: Uncertain significance. Last evaluated: 2025-12-22. Review status: criteria provided, single submitter. Criteria: Invitae Variant Classification Sherloc (09022015). Collection method: clinical testing. Allele origin: germline.
Comment: This sequence change replaces isoleucine, which is neutral and non-polar, with threonine, which is neutral and polar, at codon 889 of the DDX58 protein (p.Ile889Thr). This variant is present in population databases (rs191688102, gnomAD 0.03%). This variant has not been reported in the literature in individuals affected with DDX58-related conditions. ClinVar contains an entry for this variant (Variation ID: 1480880). Invitae Evidence Modeling of protein sequence and biophysical properties (such as structural, functional, and spatial information, amino acid conservation, physicochemical variation, residue mobility, and thermodynamic stability) indicates that this missense variant is not expected to disrupt DDX58 protein function with a negative predictive value of 80%. In summary, the available evidence is currently insufficient to determine the role of this variant in disease. Therefore, it has been classified as a Variant of Uncertain Significance.

NM_014314.4(RIGI):c.2666T>C (p.Ile889Thr)

Gene: RIGI (RNA sensor RIG-I; minus strand). Cytogenetic location: 9p21.1.
Variant type: single nucleotide variant.
Coding change: c.2666T>C on transcript NM_014314.4 (MANE Select); coding-DNA position 2666, T replaced by C.
Protein change: p.Ile889Thr; replaces isoleucine 889 with threonine.
Molecular consequence: missense variant.
Genome position (GRCh38, 1-based): chr9:32,457,234, A>G on the plus strand (T>C on the coding strand, the complement: RIGI is on the minus strand). VCF-style: chr9-32457234-A-G. GRCh37 (hg19) VCF-style: chr9-32457232-A-G.
Other names: c.2660T>C, p.Ile887Thr (NM_001385907.1); c.2495T>C, p.Ile832Thr (NM_001385909.1); c.2225T>C, p.Ile742Thr (NM_001385910.1); c.2057T>C, p.Ile686Thr (NM_001385912.1); c.2651T>C, p.Ile884Thr (NM_001385913.1); c.2222T>C, p.Ile741Thr (NM_001385914.1); short protein forms I741T, I832T, I884T, I889T, I686T, I887T, I742T.
Identifiers: ClinVar variation 1480880 (VCV001480880.8), dbSNP rs191688102, ClinGen allele CA5019437.